The following is an entry in ClinVar:

ClinVar aggregate classification (germline): Pathogenic/Likely pathogenic. Review status: criteria provided, multiple submitters, no conflicts (2 of 4 stars). 2 submissions from 2 submitters: Pathogenic (1); Likely pathogenic (1). Last evaluated 2025-12-10.

Conditions:
Neurofibromatosis, type 1 (NF1). Also called: Neurofibromatosis, type I; VON RECKLINGHAUSEN DISEASE; NEUROFIBROMATOSIS, TYPE I, SOMATIC; Peripheral type neurofibromatosis. Identifiers: Orphanet 636, MedGen C0027831, MONDO:0018975, OMIM 162200. Disease mechanism: loss of function.

Submissions (2):

Labcorp Genetics (formerly Invitae), Labcorp
Classification: Pathogenic for Neurofibromatosis, type 1. Last evaluated: 2025-12-10. Review status: criteria provided, single submitter. Criteria: Invitae Variant Classification Sherloc (09022015). Collection method: clinical testing. Allele origin: germline.
Comment: This sequence change replaces leucine, which is neutral and non-polar, with proline, which is neutral and non-polar, at codon 2373 of the NF1 protein (p.Leu2373Pro). This variant is not present in population databases (gnomAD no frequency). This missense change has been observed in individual(s) with neurofibromatosis type 1 (internal data). ClinVar contains an entry for this variant (Variation ID: 1335268). Invitae Evidence Modeling of protein sequence and biophysical properties (such as structural, functional, and spatial information, amino acid conservation, physicochemical variation, residue mobility, and thermodynamic stability) indicates that this missense variant is expected to disrupt NF1 protein function with a positive predictive value of 95%. This variant disrupts the p.Leu2373 amino acid residue in NF1. Other variant(s) that disrupt this residue have been determined to be pathogenic (PMID: 28961165, 34080803). This suggests that this residue is clinically significant, and that variants that disrupt this residue are likely to be disease-causing. For these reasons, this variant has been classified as Pathogenic.

CeGaT Center for Human Genetics Tuebingen
Classification: Likely pathogenic. Last evaluated: 2021-12-01. Review status: criteria provided, single submitter. Criteria: CeGaT Center For Human Genetics Tuebingen Variant Classification Criteria Version 2. Collection method: clinical testing. Allele origin: germline. Affected: yes. Observed: 1 variant allele.

Literature cited by the submitters: PubMed 28961165 (cited by Labcorp Genetics (formerly Invitae), Labcorp); PubMed 34080803 (cited by Labcorp Genetics (formerly Invitae), Labcorp).

NM_001042492.3(NF1):c.7181T>C (p.Leu2394Pro)

Gene: NF1 (neurofibromin 1; plus strand). Cytogenetic location: 17q11.2.
Variant type: single nucleotide variant.
Coding change: c.7181T>C on transcript NM_001042492.3 (MANE Select); coding-DNA position 7181, T replaced by C.
Protein change: p.Leu2394Pro; replaces leucine 2394 with proline.
Molecular consequence: missense variant.
Genome position (GRCh38, 1-based): chr17:31,343,127, T>C. VCF-style: chr17-31343127-T-C. GRCh37 (hg19) VCF-style: chr17-29670145-T-C.
Other names: c.7118T>C, p.Leu2373Pro (NM_000267.4); short protein forms L2373P, L2394P.
Identifiers: ClinVar variation 1335268 (VCV001335268.36), dbSNP rs1135402899, ClinGen allele CA399015774.
Genomic context (GRCh38, chr17:31,343,127, plus strand): 5'-TGGATCATTTTGTTGGACTCAATTTCAACTCTAACTTTAACTTTGCATTGGTTGGACACC[T>C]TTTAAAAGGTAAAAAAGCCTTATTTAGAATATTTTTATGAAGTACTATTAAGAAACCAGA-3'
Protein context (NP_001035957.1, residues 2384-2404): SNFNFALVGH[Leu2394Pro]LKGYRHPSPA